The following is an entry in ClinVar:

NM_000313.4(PROS1):c.820A>T (p.Lys274Ter)

Gene: PROS1 (protein S; minus strand). Cytogenetic location: 3q11.1.
Variant type: single nucleotide variant.
Coding change: c.820A>T on transcript NM_000313.4 (MANE Select); coding-DNA position 820, A replaced by T.
Protein change: p.Lys274Ter; replaces lysine 274 with a stop codon.
Molecular consequence: nonsense.
Genome position (GRCh38, 1-based): chr3:93,898,477, T>A on the plus strand (A>T on the coding strand, the complement: PROS1 is on the minus strand). VCF-style: chr3-93898477-T-A. GRCh37 (hg19) VCF-style: chr3-93617321-T-A.
Other names: c.916A>T, p.Lys306Ter (NM_001314077.2); short protein forms K274*, K306*.
Identifiers: ClinVar variation 1389448 (VCV001389448.6), dbSNP rs1708536031, ClinGen allele CA353672835.

ClinVar aggregate classification (germline): Pathogenic (1 of 4 stars; one submission).

Conditions:
Thrombophilia due to protein S deficiency, autosomal recessive (THPH6). Identifiers: Orphanet 743, MedGen C3281092, MONDO:0013791, OMIM 614514. Disease mechanism: loss of function.

Allele frequency attached by ClinVar (database versions not stated): TOPMed below 0.00001.

Submission:

Labcorp Genetics (formerly Invitae), Labcorp
Classification: Pathogenic for Thrombophilia due to protein S deficiency, autosomal recessive. Last evaluated: 2021-12-03. Review status: criteria provided, single submitter. Criteria: Invitae Variant Classification Sherloc (09022015). Collection method: clinical testing. Allele origin: germline.
Comment: This sequence change creates a premature translational stop signal (p.Lys274*) in the PROS1 gene. It is expected to result in an absent or disrupted protein product. Loss-of-function variants in PROS1 are known to be pathogenic (PMID: 9241758). This variant is not present in population databases (gnomAD no frequency). This variant has not been reported in the literature in individuals affected with PROS1-related conditions. For these reasons, this variant has been classified as Pathogenic.

Literature cited by the submitters: PubMed 9241758.